The following is an entry in ClinVar:

ClinVar aggregate classification (germline): Likely benign. Review status: criteria provided, multiple submitters, no conflicts (2 of 4 stars). 4 submissions from 4 submitters: Likely benign (4). Last evaluated 2025-02-25.

Conditions:
Ehlers-Danlos syndrome (EDS). Identifiers: Orphanet 98249, MedGen C0013720, MONDO:0020066.

Allele frequency attached by ClinVar (database versions not stated): ExAC 0.00048.

Submissions (4):

Mayo Clinic Laboratories, Mayo Clinic
Classification: Likely benign. Last evaluated: 2025-02-25. Review status: criteria provided, single submitter. Criteria: ACMG Guidelines, 2015. Collection method: clinical testing. Allele origin: germline. Observed: 1 variant allele.
Comment: BP4, BP7

Blueprint Genetics
Classification: Likely benign. Last evaluated: 2024-11-25. Review status: criteria provided, single submitter. Criteria: ACMG Guidelines, 2015. Collection method: clinical testing. Allele origin: germline.

CeGaT Center for Human Genetics Tuebingen
Classification: Likely benign. Last evaluated: 2022-04-01. Review status: criteria provided, single submitter. Criteria: CeGaT Center For Human Genetics Tuebingen Variant Classification Criteria Version 2. Collection method: clinical testing. Allele origin: germline. Affected: yes. Observed: 1 variant allele.
Comment: TNXB: BP4, BP7

Genome Diagnostics Laboratory, The Hospital for Sick Children
Classification: Likely benign for Ehlers-Danlos syndrome. Last evaluated: 2020-09-17. Review status: criteria provided, single submitter. Criteria: ACMG Guidelines, 2015. Collection method: clinical testing. Allele origin: germline.

NM_001365276.2(TNXB):c.11349G>A (p.Ala3783=)

Genes: TNXB (tenascin XB; minus strand), LOC106780803 (tenascin XB recombination region; plus strand). Cytogenetic location: 6p21.33.
Variant type: single nucleotide variant.
Coding change: c.11349G>A on transcript NM_001365276.2 (MANE Select); coding-DNA position 11349, G replaced by A.
Protein change: p.Ala3783=; no amino-acid change (alanine 3783 retained).
Molecular consequence: synonymous variant.
Genome position (GRCh38, 1-based): chr6:32,044,044, C>T on the plus strand (G>A on the coding strand, the complement: TNXB is on the minus strand). VCF-style: chr6-32044044-C-T. GRCh37 (hg19) VCF-style: chr6-32011821-C-T.
Other names: p.Ala3781=; c.11343G>A, p.Ala3781= (NM_019105.8); c.636G>A, p.Ala212= (NM_032470.4).
Identifiers: ClinVar variation 1702301 (VCV001702301.29), dbSNP rs769074772, ClinGen allele CA3733070.